The following is an entry in ClinVar:

NC_000004.11:g.(?_178352862)_(178358693_?)del

Gene: AGA (aspartylglucosaminidase; minus strand). Cytogenetic location: 4q34.3.
Variant type: Deletion.
Identifiers: ClinVar variation 3246601 (VCV003246601.1).

ClinVar aggregate classification (germline): Pathogenic (1 of 4 stars; one submission).

Conditions:
Aspartylglucosaminuria (AGU). Also called: AGA DEFICIENCY; GLYCOASPARAGINASE; GLYCOSYLASPARAGINASE DEFICIENCY; Aspartylglucos-aminuria; Aspartylglucos-amidase (AGA) deficiency. Identifiers: Orphanet 93, MedGen C0268225, MONDO:0008830, OMIM 208400, HP:0012068.

Submission:

Labcorp Genetics (formerly Invitae), Labcorp
Classification: Pathogenic for Aspartylglucosaminuria. Last evaluated: 2024-01-16. Review status: criteria provided, single submitter. Criteria: Invitae Variant Classification Sherloc (09022015). Collection method: clinical testing. Allele origin: unknown.
Comment: This variant is a gross deletion of the genomic region encompassing exon(s) 5-9 of the AGA gene, which includes the termination codon. This deletion extends beyond the assayed region for this gene and therefore may encompass additional genes. While this deletion is not anticipated to lead to nonsense mediated decay, it is expected to alter mRNA translation or result in a truncated protein product. This variant has not been reported in the literature in individuals affected with AGA-related conditions. This variant disrupts a region of the AGA protein in which other variant(s) (p.Gly226Asp) have been determined to be pathogenic (PMID: 10399108, 11309371, 29930972). This suggests that this is a clinically significant region of the protein, and that variants that disrupt it are likely to be disease-causing. For these reasons, this variant has been classified as Pathogenic.

Literature cited by the submitters: PubMed 10399108; PubMed 11309371; PubMed 29930972.